The following is an entry in ClinVar:

ClinVar aggregate classification (germline): Pathogenic (1 of 4 stars; one submission).

Submission:

CeGaT Center for Human Genetics Tuebingen
Classification: Pathogenic. Last evaluated: 2022-09-01. Review status: criteria provided, single submitter. Criteria: CeGaT Center For Human Genetics Tuebingen Variant Classification Criteria Version 2. Collection method: clinical testing. Allele origin: germline. Affected: yes. Observed: 1 variant allele.
Comment: ADAR: PVS1, PM2

NM_001111.5(ADAR):c.3348del (p.Arg1116fs)

Gene: ADAR (adenosine deaminase RNA specific; minus strand). Cytogenetic location: 1q21.3.
Variant type: Deletion.
Coding change: c.3348del on transcript NM_001111.5 (MANE Select); coding-DNA position 3348, one base deleted (G; older notation c.3348delG).
Protein change: p.Arg1116fs; shifts the reading frame from arginine 1116.
Molecular consequence: frameshift variant.
Genome position (GRCh38, 1-based): chr1:154,585,312, C deleted on the plus strand (G on the coding strand, the reverse complement: ADAR is on the minus strand); the first of 2 consecutive C bases (chr1:154,585,312-154,585,313); deleting either gives the same sequence. VCF-style (leftmost placement, unchanged base first): chr1-154585311-GC-G. GRCh37 (hg19) VCF-style: chr1-154557787-GC-G.
Other names: c.2463del, p.Arg821fs (NM_001025107.3, NM_001193495.2, NM_001365046.1 and 2 more transcripts); c.3375del, p.Arg1125fs (NM_001365045.1); c.2385del, p.Arg795fs (NM_001365049.1); c.3270del, p.Arg1090fs (NM_015840.4); c.3213del, p.Arg1071fs (NM_015841.4); short protein forms R1071fs, R1090fs, R1116fs, R1125fs, R795fs, R821fs.
Identifiers: ClinVar variation 2639372 (VCV002639372.24), dbSNP rs2526450124, ClinGen allele CA2695199892.